The following is an entry in ClinVar:

NM_000372.5(TYR):c.1139C>T (p.Ser380Phe)

Gene: TYR (tyrosinase; plus strand). Cytogenetic location: 11q14.3.
Variant type: single nucleotide variant.
Coding change: c.1139C>T on transcript NM_000372.5 (MANE Select); coding-DNA position 1139, C replaced by T.
Protein change: p.Ser380Phe; replaces serine 380 with phenylalanine.
Molecular consequence: missense variant.
Genome position (GRCh38, 1-based): chr11:89,227,925, C>T. VCF-style: chr11-89227925-C-T. GRCh37 (hg19) VCF-style: chr11-88961093-C-T.
Other names: short protein forms S380F.
Identifiers: ClinVar variation 1367320 (VCV001367320.8), dbSNP rs2135281916, ClinGen allele CA382028807.

ClinVar aggregate classification (germline): Uncertain significance (1 of 4 stars; one submission).

Submission:

Labcorp Genetics (formerly Invitae), Labcorp
Classification: Uncertain significance. Last evaluated: 2021-07-16. Review status: criteria provided, single submitter. Criteria: Invitae Variant Classification Sherloc (09022015). Collection method: clinical testing. Allele origin: germline.
Comment: In summary, the available evidence is currently insufficient to determine the role of this variant in disease. Therefore, it has been classified as a Variant of Uncertain Significance. Advanced modeling of protein sequence and biophysical properties (such as structural, functional, and spatial information, amino acid conservation, physicochemical variation, residue mobility, and thermodynamic stability) performed at Invitae indicates that this missense variant is expected to disrupt TYR protein function. This variant has not been reported in the literature in individuals affected with TYR-related conditions. This variant is not present in population databases (ExAC no frequency). This sequence change replaces serine with phenylalanine at codon 380 of the TYR protein (p.Ser380Phe). The serine residue is highly conserved and there is a large physicochemical difference between serine and phenylalanine.